The following is an entry in ClinVar:

NM_031935.3(HMCN1):c.8462G>T (p.Ser2821Ile)

Gene: HMCN1 (hemicentin 1; plus strand). Cytogenetic location: 1q31.1.
Variant type: single nucleotide variant.
Coding change: c.8462G>T on transcript NM_031935.3 (MANE Select); coding-DNA position 8462, G replaced by T.
Protein change: p.Ser2821Ile; replaces serine 2821 with isoleucine.
Molecular consequence: missense variant.
Genome position (GRCh38, 1-based): chr1:186,076,599, G>T. VCF-style: chr1-186076599-G-T. GRCh37 (hg19) VCF-style: chr1-186045731-G-T.
Other names: short protein forms S2821I.
Identifiers: ClinVar variation 2886212 (VCV002886212.3), dbSNP rs756392616, ClinGen allele CA1293116.

ClinVar aggregate classification (germline): Uncertain significance (1 of 4 stars; one submission).

Allele frequency attached by ClinVar (database versions not stated): ExAC 0.00001; TOPMed 0.00001; gnomAD 0.00002; gnomAD exomes 0.00002.
gnomAD v4.1: 15 of 1,613,478 alleles (0.00093%); highest among the groups gnomAD compares: Admixed American, 0.025%; no homozygotes.

Submission:

Labcorp Genetics (formerly Invitae), Labcorp
Classification: Uncertain significance. Last evaluated: 2023-03-29. Review status: criteria provided, single submitter. Criteria: Invitae Variant Classification Sherloc (09022015). Collection method: clinical testing. Allele origin: germline.
Comment: This variant is present in population databases (rs756392616, gnomAD 0.03%). This sequence change replaces serine, which is neutral and polar, with isoleucine, which is neutral and non-polar, at codon 2821 of the HMCN1 protein (p.Ser2821Ile). This variant has not been reported in the literature in individuals affected with HMCN1-related conditions. In summary, the available evidence is currently insufficient to determine the role of this variant in disease. Therefore, it has been classified as a Variant of Uncertain Significance. An algorithm developed to predict the effect of missense changes on protein structure and function (PolyPhen-2) suggests that this variant is likely to be disruptive.